The following is an entry in ClinVar:

NM_000321.3(RB1):c.1944A>G (p.Ser648=)

Gene: RB1 (RB transcriptional corepressor 1; plus strand). Cytogenetic location: 13q14.2.
Variant type: single nucleotide variant.
Coding change: c.1944A>G on transcript NM_000321.3 (MANE Select); coding-DNA position 1944, A replaced by G.
Protein change: p.Ser648=; no amino-acid change (serine 648 retained).
Molecular consequence: synonymous variant.
Genome position (GRCh38, 1-based): chr13:48,456,333, A>G. VCF-style: chr13-48456333-A-G. GRCh37 (hg19) VCF-style: chr13-49030469-A-G.
Identifiers: ClinVar variation 1093406 (VCV001093406.12), dbSNP rs762529301, ClinGen allele CA483558903.

ClinVar aggregate classification (germline): Benign/Likely benign. Review status: criteria provided, multiple submitters, no conflicts (2 of 4 stars). 4 submissions from 4 submitters: Benign (1); Likely benign (3). Last evaluated 2026-06-25.

Conditions:
Retinoblastoma (RB1). Also called: RETINOBLASTOMA, SOMATIC. Identifiers: Orphanet 790, MedGen C0035335, MeSH D012175, MONDO:0008380, OMIM 180200, HP:0009919. Disease mechanism: loss of function. Inheritance: Both sporadic and heritable forms are tested..
Hereditary cancer-predisposing syndrome. Also called: Neoplastic Syndromes, Hereditary; Tumor predisposition; Hereditary Cancer Syndrome; Hereditary neoplastic syndrome. Identifiers: Orphanet 140162, MedGen C0027672, MeSH D009386, MONDO:0015356.

Allele frequency attached by ClinVar (database versions not stated): TOPMed below 0.00001; gnomAD 0.00001.
gnomAD v4.1: 16 of 1,614,014 alleles (0.00099%); highest among the groups gnomAD compares: Non-Finnish European, 0.0014%; no homozygotes.

Submissions (4):

Myriad Genetics, Inc.
Classification: Benign for Retinoblastoma. Last evaluated: 2026-06-25. Review status: criteria provided, single submitter. Criteria: Myriad Autosomal Dominant, Autosomal Recessive and X-Linked Classification Criteria (2023). Collection method: clinical testing. Allele origin: unknown.
Comment: This variant is considered benign. This variant is a silent/synonymous amino acid change and it is not expected to impact splicing.

Color Diagnostics, LLC DBA Color Health
Classification: Likely benign for Retinoblastoma. Last evaluated: 2025-08-10. Review status: criteria provided, single submitter. Criteria: ACMG Guidelines, 2015. Collection method: clinical testing. Allele origin: germline.

Labcorp Genetics (formerly Invitae), Labcorp
Classification: Likely benign for Retinoblastoma. Last evaluated: 2025-06-03. Review status: criteria provided, single submitter. Criteria: Invitae Variant Classification Sherloc (09022015). Collection method: clinical testing. Allele origin: germline.

Ambry Genetics
Classification: Likely benign for Hereditary cancer-predisposing syndrome. Last evaluated: 2020-06-23. Review status: criteria provided, single submitter. Criteria: Ambry Variant Classification Scheme 2023. Collection method: clinical testing. Allele origin: germline.